The following is an entry in ClinVar:

NM_000277.3(PAH):c.895_897del (p.Phe299del)

Genes: PAH (phenylalanine hydroxylase; minus strand), LOC126861615 (CDK7 strongly-dependent group 2 enhancer GRCh37_chr12:103244689-103245888; plus strand). Cytogenetic location: 12q23.2.
Variant type: Deletion.
Coding change: c.895_897del on transcript NM_000277.3 (MANE Select); coding-DNA positions 895 to 897, 3 bases deleted (TTT; older notation c.895_897delTTT).
Protein change: p.Phe299del; deletes phenylalanine 299.
Molecular consequence: inframe deletion.
Genome position (GRCh38, 1-based): chr12:102,851,702-102,851,704, AAA deleted on the plus strand (TTT on the coding strand, the reverse complement: PAH is on the minus strand). VCF-style (leftmost placement, unchanged base first): chr12-102851701-CAAA-C. GRCh37 (hg19) VCF-style: chr12-103245479-CAAA-C.
Other names: c.895_897del, p.Phe299del (NM_001354304.2); short protein forms F299del.
Identifiers: ClinVar variation 102886 (VCV000102886.2), dbSNP rs62507267, ClinGen allele CA229837.

ClinVar aggregate classification (germline): Uncertain significance. Review status: reviewed by expert panel (3 of 4 stars). 2 submissions from 2 submitters: Uncertain significance (1). 1 of the submissions does not count toward it. Last evaluated 2019-07-14.

Conditions:
Phenylketonuria (PKU). Also called: Phenylketonuria (PKU); FOLLING DISEASE; OLIGOPHRENIA PHENYLPYRUVICA; Phenylketonurias. Identifiers: Orphanet 716, MedGen C0031485, MONDO:0009861, OMIM 261600. Disease mechanism: loss of function.

Submissions (2):

ClinGen PAH Variant Curation Expert Panel
Classification: Uncertain significance for Phenylketonuria. Last evaluated: 2019-07-14. Review status: reviewed by expert panel. Criteria: ClinGen PAH ACMG Specifications v1. Collection method: curation. Allele origin: germline. Inheritance: Autosomal recessive inheritance.
Comment: The c.895_897del (p.Phe299del) variant in PAH has been reported in 1 individual with PKU without genotype information (BH4 deficiency not ruled out) (PMID: 10541324) . This variant is absent in gnomAD and the ESP population databases. The c.895_897del variant results in an in-frame deletion of phenylalanine 299 in a hydrophobic pocket of the hydroxylase domain of PAH. In summary, this variant meets the criteria to be classified as likely pathogenic for PAH. PAH-specific ACMG/AMP criteria applied: PP4, PM2, PM4.

DeBelle Laboratory for Biochemical Genetics, MUHC/MCH RESEARCH INSTITUTE
No classification provided. Review status: no classification provided. Collection method: not provided. Allele origin: not provided. Not counted in ClinVar's aggregate classification.

Literature cited by the submitters: PubMed 10541324 (cited by ClinGen PAH Variant Curation Expert Panel).